The following is an entry in ClinVar:

NM_000059.4(BRCA2):c.1879G>A (p.Ala627Thr)

Gene: BRCA2 (BRCA2 DNA repair associated; plus strand). Cytogenetic location: 13q13.1.
Variant type: single nucleotide variant.
Coding change: c.1879G>A on transcript NM_000059.4 (MANE Select); coding-DNA position 1879, G replaced by A.
Protein change: p.Ala627Thr; replaces alanine 627 with threonine.
Molecular consequence: missense variant.
Genome position (GRCh38, 1-based): chr13:32,333,357, G>A. VCF-style: chr13-32333357-G-A. GRCh37 (hg19) VCF-style: chr13-32907494-G-A.
Other names: short protein forms A627T.
Identifiers: ClinVar variation 438955 (VCV000438955.5), dbSNP rs1555282140, ClinGen allele CA387766644.

ClinVar aggregate classification (germline): Conflicting classifications of pathogenicity. Review status: criteria provided, conflicting classifications (1 of 4 stars). 3 submissions from 3 submitters: Uncertain significance (2); Likely benign (1). Last evaluated 2023-03-23.

Conditions:
Hereditary cancer-predisposing syndrome. Also called: Hereditary neoplastic syndrome; Hereditary Cancer Syndrome; Tumor predisposition; Neoplastic Syndromes, Hereditary. Identifiers: Orphanet 140162, MedGen C0027672, MeSH D009386, MONDO:0015356.
BRCA2-related cancer predisposition. Identifiers: MedGen CN377758, MONDO:0700269.

Submissions (3):

University of Washington Department of Laboratory Medicine, University of Washington
Classification: Likely benign for Hereditary cancer-predisposing syndrome. Last evaluated: 2023-03-23. Review status: criteria provided, single submitter. Criteria: Dines et al. (Genet Med. 2020). Collection method: curation. Allele origin: germline.
Comment: Missense variant in a coldspot region where missense variants are very unlikely to be pathogenic (PMID:31911673).

BRCA2 exon 10 coldspot. Reclassification based on statistical prior probability.

Department of Pathology and Laboratory Medicine, Sinai Health System
Classification: Uncertain significance for BRCA2-related cancer predisposition. Last evaluated: 2020-09-24. Review status: criteria provided, single submitter. Criteria: ACMG Guidelines, 2015. Collection method: clinical testing. Allele origin: germline. Affected: no.

Quest Diagnostics Nichols Institute San Juan Capistrano
Classification: Uncertain significance. Last evaluated: 2016-11-30. Review status: criteria provided, single submitter. Criteria: Quest Diagnostics criteria. Collection method: clinical testing. Allele origin: germline.